The following is an entry in ClinVar:

NM_000372.5(TYR):c.1225G>T (p.Glu409Ter)

Gene: TYR (tyrosinase; plus strand). Cytogenetic location: 11q14.3.
Variant type: single nucleotide variant.
Coding change: c.1225G>T on transcript NM_000372.5 (MANE Select); coding-DNA position 1225, G replaced by T.
Protein change: p.Glu409Ter; replaces glutamic acid 409 with a stop codon.
Molecular consequence: nonsense.
Genome position (GRCh38, 1-based): chr11:89,284,813, G>T. VCF-style: chr11-89284813-G-T. GRCh37 (hg19) VCF-style: chr11-89017981-G-T.
Other names: short protein forms E409*.
Identifiers: ClinVar variation 2844109 (VCV002844109.3), dbSNP rs1296165748, ClinGen allele CA382077900.

ClinVar aggregate classification (germline): Pathogenic (1 of 4 stars; one submission).

Submission:

Labcorp Genetics (formerly Invitae), Labcorp
Classification: Pathogenic. Last evaluated: 2023-03-08. Review status: criteria provided, single submitter. Criteria: Invitae Variant Classification Sherloc (09022015). Collection method: clinical testing. Allele origin: germline.
Comment: For these reasons, this variant has been classified as Pathogenic. This sequence change creates a premature translational stop signal (p.Glu409*) in the TYR gene. It is expected to result in an absent or disrupted protein product. Loss-of-function variants in TYR are known to be pathogenic (PMID: 23504663). This variant is not present in population databases (gnomAD no frequency). This variant has not been reported in the literature in individuals affected with TYR-related conditions.

Literature cited by the submitters: PubMed 23504663.